The following is an entry in ClinVar:

ClinVar aggregate classification (germline): Uncertain significance (1 of 4 stars; one submission).

Submission:

GeneDx
Classification: Uncertain significance. Last evaluated: 2025-05-12. Review status: criteria provided, single submitter. Criteria: GeneDx Variant Classification Process June 2021. Collection method: clinical testing. Allele origin: germline. Affected: yes.
Comment: Not observed at significant frequency in large population cohorts (gnomAD); In silico analysis supports that this missense variant has a deleterious effect on protein structure/function; In silico analysis, which includes splice predictors and evolutionary conservation, suggests this variant may impact gene splicing. In the absence of RNA/functional studies, the actual effect of this sequence change is unknown.; Has not been previously published as pathogenic or benign to our knowledge

NM_001282116.2(RFX3):c.1517C>T (p.Ala506Val)

Gene: RFX3 (regulatory factor X3; minus strand). Cytogenetic location: 9p24.2.
Variant type: single nucleotide variant.
Coding change: c.1517C>T on transcript NM_001282116.2 (MANE Select); coding-DNA position 1517, C replaced by T.
Protein change: p.Ala506Val; replaces alanine 506 with valine.
Molecular consequence: missense variant.
Genome position (GRCh38, 1-based): chr9:3,263,023, G>A on the plus strand (C>T on the coding strand, the complement: RFX3 is on the minus strand). VCF-style: chr9-3263023-G-A. GRCh37 (hg19) VCF-style: chr9-3263023-G-A.
Other names: c.1517C>T, p.Ala506Val (NM_001377999.1, NM_002919.4, NM_134428.3); short protein forms A506V.
Identifiers: ClinVar variation 4529688 (VCV004529688.1).